The following is an entry in ClinVar:

NM_058195.4(CDKN2A):c.193G>C (p.Gly65Arg)

Gene: CDKN2A (cyclin dependent kinase inhibitor 2A; minus strand). Cytogenetic location: 9p21.3.
Variant type: single nucleotide variant.
Coding change: c.193G>C on transcript NM_058195.4 (MANE Plus Clinical); coding-DNA position 193, G replaced by C.
Protein change: p.Gly65Arg; replaces glycine 65 with arginine.
Molecular consequence: missense variant. On other transcripts: intron variant (1).
Genome position (GRCh38, 1-based): chr9:21,994,139, C>G on the plus strand (G>C on the coding strand, the complement: CDKN2A is on the minus strand). VCF-style: chr9-21994139-C-G. GRCh37 (hg19) VCF-style: chr9-21994138-C-G.
Other names: c.-4+682G>C (NM_001363763.2); short protein forms G65R.
Identifiers: ClinVar variation 1504229 (VCV001504229.6), dbSNP rs2131147969, ClinGen allele CA373086764.
Genomic context (GRCh38, chr9:21,994,139, plus strand): 5'-AATCACACCAAACAAAACAAGTGCCGAATGCGCCCCGGACTTTTCGAGGGCCTTTCCTAC[C>G]TGGTCTTCTAGGAAGCGGCTGCTGCCCTAGACGCTGGCTCCTCAGTAGCATCAGCACGAG-3'
Protein context (NP_478102.2, residues 55-75): LGQQPLPRRP[Gly65Arg]HDDGQRPSGG

ClinVar aggregate classification (germline): Pathogenic/Likely pathogenic. Review status: criteria provided, multiple submitters, no conflicts (2 of 4 stars). 2 submissions from 2 submitters: Pathogenic (1); Likely pathogenic (1). Last evaluated 2024-03-21.

Conditions:
Hereditary cancer-predisposing syndrome. Also called: Neoplastic Syndromes, Hereditary; Tumor predisposition; Hereditary Cancer Syndrome; Hereditary neoplastic syndrome. Identifiers: Orphanet 140162, MedGen C0027672, MeSH D009386, MONDO:0015356.
Familial melanoma. Also called: Hereditary melanoma; Hereditary cutaneous melanoma. Identifiers: Orphanet 618, MedGen C1512419, MONDO:0018961.

Submissions (2):

Ambry Genetics
Classification: Pathogenic for Hereditary cancer-predisposing syndrome. Last evaluated: 2024-03-21. Review status: criteria provided, single submitter. Criteria: Ambry Variant Classification Scheme 2023. Collection method: clinical testing. Allele origin: germline.
Comment: The c.193G>C pathogenic mutation (also known as p.G65R), located in coding exon 1&beta; of the CDKN2A (p14ARF) gene, results from a G to C substitution at nucleotide position 193. The glycine at codon 65 is replaced by arginine, an amino acid with dissimilar properties. However, this change occurs in the last base pair of coding exon 1&beta;, which makes it likely to have some effect on normal mRNA splicing. This alteration was observed to result in a splice defect utilizing an upstream donor site and an acceptor site in exon 2 which encodes parts of both of the p14 and p16 isoforms of CDKN2A (Harland M et al. Oncogene, 2005 Jun;24:4604-8). This alteration has been observed in many melanoma kindreds (Garcia-Casado Z et al. Melanoma Res. 2009 Oct;19:335-7; Overbeek KA et al. J. Med. Genet. 2020 Jun;: de Torre C et al. Melanoma Res. 2010 Aug;20:342-8; Harland M et al. Hered Cancer Clin Pract. 2014 Nov;12:20; Potjer TP et al. J. Med. Genet. 2018 10;55:661-668; Cust AE et al. J. Med. Genet. 2011 Apr;48:266-72; Goldstein AM et al. Cancer Res. 2006 Oct;66:9818-28). This variant is considered to be rare based on population cohorts in the Genome Aggregation Database (gnomAD). This nucleotide position is highly conserved in available vertebrate species. This amino acid position is highly conserved in available vertebrate species. In silico splice site analysis predicts that this alteration will weaken the native splice donor site. Based on the supporting evidence, this alteration is interpreted as a disease-causing mutation.

Labcorp Genetics (formerly Invitae), Labcorp
Classification: Likely pathogenic for Familial melanoma. Last evaluated: 2021-07-14. Review status: criteria provided, single submitter. Criteria: Invitae Variant Classification Sherloc (09022015). Collection method: clinical testing. Allele origin: germline.

Literature cited by the submitters: PubMed 15856016 (cited by Ambry Genetics); PubMed 17047042 (cited by Ambry Genetics); PubMed 19741424 (cited by Ambry Genetics); PubMed 20539244 (cited by Ambry Genetics); PubMed 21325014 (cited by Ambry Genetics); PubMed 25370744 (cited by Ambry Genetics); PubMed 25780468 (cited by Ambry Genetics); PubMed 29661971 (cited by Ambry Genetics); PubMed 32482799 (cited by Ambry Genetics).